The following is an entry in ClinVar:

NM_001372.4(DNAH9):c.4098G>A (p.Thr1366=)

Gene: DNAH9 (dynein axonemal heavy chain 9; plus strand). Cytogenetic location: 17p12.
Variant type: single nucleotide variant.
Coding change: c.4098G>A on transcript NM_001372.4 (MANE Select); coding-DNA position 4098, G replaced by A.
Protein change: p.Thr1366=; no amino-acid change (threonine 1366 retained).
Molecular consequence: synonymous variant.
Genome position (GRCh38, 1-based): chr17:11,689,920, G>A. VCF-style: chr17-11689920-G-A. GRCh37 (hg19) VCF-style: chr17-11593237-G-A.
Other names: c.4098G>A (NM_001372.3).
Identifiers: ClinVar variation 1600870 (VCV001600870.11), dbSNP rs144808055, ClinGen allele CA8395603.

ClinVar aggregate classification (germline): Benign/Likely benign. Review status: criteria provided, multiple submitters, no conflicts (2 of 4 stars). 3 submissions from 3 submitters: Benign (1); Likely benign (1). 1 of the submissions does not count toward it. Last evaluated 2025-11-27.

Conditions:
DNAH9-related disorder. Also called: DNAH9-related condition.

Allele frequency attached by ClinVar (database versions not stated): ESP Exome Variant Server 0.00031; 1000 Genomes Project 0.00040; 1000 Genomes Project 30x 0.00047.
gnomAD v4.1: 531 of 1,609,522 alleles (0.033%); highest among the groups gnomAD compares: African/African-American, 0.059%; 2 homozygotes.

Submissions (3):

Labcorp Genetics (formerly Invitae), Labcorp
Classification: Benign. Last evaluated: 2025-11-27. Review status: criteria provided, single submitter. Criteria: Invitae Variant Classification Sherloc (09022015). Collection method: clinical testing. Allele origin: germline.

Blueprint Genetics
Classification: Likely benign. Last evaluated: 2024-11-13. Review status: criteria provided, single submitter. Criteria: ACMG Guidelines, 2015. Collection method: clinical testing. Allele origin: germline.

PreventionGenetics, part of Exact Sciences
Classification: Likely benign for DNAH9-related condition. Last evaluated: 2021-09-01. Review status: no assertion criteria provided. Collection method: clinical testing. Allele origin: germline. Not counted in ClinVar's aggregate classification.
Comment: This variant is classified as likely benign based on ACMG/AMP sequence variant interpretation guidelines (Richards et al. 2015 PMID: 25741868, with internal and published modifications).